The following is an entry in ClinVar:

ClinVar aggregate classification (germline): Likely benign. Review status: criteria provided, multiple submitters, no conflicts (2 of 4 stars). 6 submissions from 6 submitters: Likely benign (6). Last evaluated 2026-05-12.

Conditions:
Neurofibromatosis, type 1 (NF1). Also called: Peripheral type neurofibromatosis; VON RECKLINGHAUSEN DISEASE; Neurofibromatosis, type I; NEUROFIBROMATOSIS, TYPE I, SOMATIC. Identifiers: Orphanet 636, MedGen C0027831, MONDO:0018975, OMIM 162200. Disease mechanism: loss of function.

Submissions (6):

Myriad Genetics, Inc.
Classification: Likely benign for Neurofibromatosis, type 1. Last evaluated: 2026-05-12. Review status: criteria provided, single submitter. Criteria: Myriad Autosomal Dominant, Autosomal Recessive and X-Linked Classification Criteria (2023). Collection method: clinical testing. Allele origin: unknown.
Comment: This variant is considered likely benign. This variant is intronic and is not expected to impact mRNA splicing.

Labcorp Genetics (formerly Invitae), Labcorp
Classification: Likely benign for Neurofibromatosis, type 1. Last evaluated: 2025-12-21. Review status: criteria provided, single submitter. Criteria: Invitae Variant Classification Sherloc (09022015). Collection method: clinical testing. Allele origin: germline.

Women's Health and Genetics/Laboratory Corporation of America, LabCorp
Classification: Likely benign. Last evaluated: 2024-07-08. Review status: criteria provided, single submitter. Criteria: LabCorp Variant Classification Summary - May 2015. Collection method: clinical testing. Allele origin: germline.
Comment: Variant summary: NF1 c.1846-13dupT alters a non-conserved nucleotide located at a position not widely known to affect splicing. Consensus agreement among computation tools predict no significant impact on normal splicing. However, these predictions have yet to be confirmed by functional studies. The variant allele was found at a frequency of 4e-06 in 249982 control chromosomes. The available data on variant occurrences in the general population are insufficient to allow any conclusion about variant significance. To our knowledge, no occurrence of c.1846-13dupT in individuals affected with Neurofibromatosis Type 1 and no experimental evidence demonstrating its impact on protein function have been reported. ClinVar contains an entry for this variant (Variation ID: 1186847). Based on the evidence outlined above, the variant was classified as likely benign.

Blueprint Genetics
Classification: Likely benign. Last evaluated: 2022-11-30. Review status: criteria provided, single submitter. Criteria: ACMG Guidelines, 2015. Collection method: clinical testing. Allele origin: germline.

Genome-Nilou Lab
Classification: Likely benign for Neurofibromatosis, type 1. Last evaluated: 2022-03-15. Review status: criteria provided, single submitter. Criteria: ACMG Guidelines, 2015. Collection method: clinical testing. Allele origin: germline. Affected: no.

GeneDx
Classification: Likely benign. Last evaluated: 2020-11-02. Review status: criteria provided, single submitter. Criteria: GeneDx Variant Classification Process June 2021. Collection method: clinical testing. Allele origin: germline. Affected: yes.

Literature cited by the submitters: PubMed 10678181 (cited by Women's Health and Genetics/Laboratory Corporation of America, LabCorp); PubMed 23460398 (cited by Women's Health and Genetics/Laboratory Corporation of America, LabCorp); PubMed 29872168 (cited by Women's Health and Genetics/Laboratory Corporation of America, LabCorp); PubMed 27069254 (cited by Women's Health and Genetics/Laboratory Corporation of America, LabCorp).

NM_001042492.3(NF1):c.1846-13dup

Gene: NF1 (neurofibromin 1; plus strand). Cytogenetic location: 17q11.2.
Variant type: Duplication.
Coding change: c.1846-13dup on transcript NM_001042492.3 (MANE Select); 13 bases into the intron before coding-DNA position 1846, one base duplicated (T; older notation c.1846-13dupT).
Molecular consequence: intron variant.
Genome position (GRCh38, 1-based): chr17:31,225,082, T duplicated; the last of 3 consecutive T bases (chr17:31,225,080-31,225,082); duplicating any one gives the same sequence. VCF-style (leftmost placement, unchanged base first): chr17-31225079-A-AT. GRCh37 (hg19) VCF-style: chr17-29552097-A-AT.
Other names: c.1846-13dupT (NM_000267.3); c.1846-13dup (NM_000267.4).
Identifiers: ClinVar variation 1186847 (VCV001186847.13), dbSNP rs757751570, ClinGen allele CA8485870.